The following is an entry in ClinVar:

NM_152416.4(NDUFAF6):c.319A>C (p.Lys107Gln)

Gene: NDUFAF6 (NADH:ubiquinone oxidoreductase complex assembly factor 6; plus strand). Cytogenetic location: 8q22.1.
Variant type: single nucleotide variant.
Coding change: c.319A>C on transcript NM_152416.4 (MANE Select); coding-DNA position 319, A replaced by C.
Protein change: p.Lys107Gln; replaces lysine 107 with glutamine.
Molecular consequence: missense variant. On other transcripts: 5 prime UTR variant (14), non-coding transcript variant (6).
Genome position (GRCh38, 1-based): chr8:95,035,475, A>C. VCF-style: chr8-95035475-A-C. GRCh37 (hg19) VCF-style: chr8-96047703-A-C.
Other names: c.43A>C, p.Lys15Gln (NM_001330582.2, NM_001354514.2, NM_001354515.2 and 1 more transcripts); c.163A>C, p.Lys55Gln (NM_001354516.2); c.-15A>C (NM_001354517.2, NM_001354518.2, NM_001354519.2 and 1 more transcripts); c.-262A>C (NM_001354522.2, NM_001354529.2, NM_001354530.2 and 1 more transcripts); c.-331A>C (NM_001354524.2, NM_001354525.2, NM_001354528.2 and 1 more transcripts); c.-360A>C (NM_001354527.2, NM_001354531.2); short protein forms K107Q, K15Q, K55Q.
Identifiers: ClinVar variation 2414205 (VCV002414205.3), dbSNP rs767438662, ClinGen allele CA320253.

ClinVar aggregate classification (germline): Uncertain significance (1 of 4 stars; one submission).

Allele frequency attached by ClinVar (database versions not stated): TOPMed 0.00001; ExAC 0.00002; gnomAD 0.00002.
gnomAD v4.1: 33 of 1,613,798 alleles (0.002%); highest among the groups gnomAD compares: Middle Eastern, 0.016%; no homozygotes.

Submission:

Labcorp Genetics (formerly Invitae), Labcorp
Classification: Uncertain significance. Last evaluated: 2022-10-13. Review status: criteria provided, single submitter. Criteria: Invitae Variant Classification Sherloc (09022015). Collection method: clinical testing. Allele origin: germline.
Comment: This sequence change replaces lysine, which is basic and polar, with glutamine, which is neutral and polar, at codon 107 of the NDUFAF6 protein (p.Lys107Gln). This variant is present in population databases (rs767438662, gnomAD 0.004%). This variant has not been reported in the literature in individuals affected with NDUFAF6-related conditions. Advanced modeling of protein sequence and biophysical properties (such as structural, functional, and spatial information, amino acid conservation, physicochemical variation, residue mobility, and thermodynamic stability) performed at Invitae indicates that this missense variant is not expected to disrupt NDUFAF6 protein function. In summary, the available evidence is currently insufficient to determine the role of this variant in disease. Therefore, it has been classified as a Variant of Uncertain Significance.